The following is an entry in ClinVar:

ClinVar aggregate classification (germline): Uncertain significance. Review status: criteria provided, multiple submitters, no conflicts (2 of 4 stars). 2 submissions from 2 submitters: Uncertain significance (2). Last evaluated 2026-09-24.

Conditions:
Sulfite oxidase deficiency due to molybdenum cofactor deficiency type A. Also called: Molybdenum Cofactor Deficiency A; Molybdenum cofactor deficiency, complementation group A. Identifiers: Orphanet 308386, Orphanet 833, MedGen C1854988, MONDO:0009643, OMIM 252150.
MOCS1-related disorder. Also called: MOCS1-related condition.

gnomAD v4.1: 34 of 1,613,972 alleles (0.0021%); highest among the groups gnomAD compares: Non-Finnish European, 0.0026%; no homozygotes.

Submissions (2):

PreventionGenetics, part of Exact Sciences
Classification: Uncertain significance for MOCS1-related condition. Last evaluated: 2026-09-24. Review status: criteria provided, single submitter. Criteria: ACMG Guidelines, 2015. Collection method: clinical testing. Allele origin: germline.
Comment: The MOCS1 c.1355G>A variant is predicted to result in the amino acid substitution p.Arg452His. To our knowledge, this variant has not been reported in the literature. This variant is reported in 0.0040% of alleles in individuals of African descent in gnomAD. At this time, the clinical significance of this variant is uncertain due to the absence of conclusive functional and genetic evidence.

Labcorp Genetics (formerly Invitae), Labcorp
Classification: Uncertain significance for Sulfite oxidase deficiency due to molybdenum cofactor deficiency type A. Last evaluated: 2025-12-30. Review status: criteria provided, single submitter. Criteria: Invitae Variant Classification Sherloc (09022015). Collection method: clinical testing. Allele origin: germline.
Comment: This sequence change replaces arginine, which is basic and polar, with histidine, which is basic and polar, at codon 452 of the MOCS1 protein (p.Arg452His). This variant is present in population databases (rs11969206, gnomAD 0.004%). This variant has not been reported in the literature in individuals affected with MOCS1-related conditions. An algorithm developed to predict the effect of missense changes on protein structure and function outputs the following: PolyPhen-2: "Benign". The histidine amino acid residue is found in multiple mammalian species, which suggests that this missense change does not adversely affect protein function. In summary, the available evidence is currently insufficient to determine the role of this variant in disease. Therefore, it has been classified as a Variant of Uncertain Significance.

NM_001358530.2(MOCS1):c.1355G>A (p.Arg452His)

Gene: MOCS1 (molybdenum cofactor synthesis 1; minus strand). Cytogenetic location: 6p21.2.
Variant type: single nucleotide variant.
Coding change: c.1355G>A on transcript NM_001358530.2 (MANE Select); coding-DNA position 1355, G replaced by A.
Protein change: p.Arg452His; replaces arginine 452 with histidine.
Molecular consequence: missense variant. On other transcripts: 3 prime UTR variant (4), non-coding transcript variant (1).
Genome position (GRCh38, 1-based): chr6:39,906,913, C>T on the plus strand (G>A on the coding strand, the complement: MOCS1 is on the minus strand). VCF-style: chr6-39906913-C-T. GRCh37 (hg19) VCF-style: chr6-39874689-C-T.
Other names: c.*212G>A (NM_001075098.4, NM_001358533.2, NM_001358534.2 and 1 more transcripts); c.1307G>A, p.Arg436His (NM_001358529.2); c.1094G>A, p.Arg365His (NM_001358531.2); c.1355G>A (NM_001358530.1); short protein forms R365H, R452H, R436H.
Identifiers: ClinVar variation 4781534 (VCV004781534.2).